The following is an entry in ClinVar:

NM_001271.4(CHD2):c.1153+109G>C

Gene: CHD2 (chromodomain helicase DNA binding protein 2; plus strand). Cytogenetic location: 15q26.1.
Variant type: single nucleotide variant.
Coding change: c.1153+109G>C on transcript NM_001271.4 (MANE Select); 109 bases into the intron after coding-DNA position 1153, G replaced by C.
Molecular consequence: intron variant.
Genome position (GRCh38, 1-based): chr15:92,944,624, G>C. VCF-style: chr15-92944624-G-C. GRCh37 (hg19) VCF-style: chr15-93487854-G-C.
Other names: c.1153+109G>C (NM_001042572.3).
Identifiers: ClinVar variation 678925 (VCV000678925.2), dbSNP rs1320819, ClinGen allele CA14090887.
Genomic context (GRCh38, chr15:92,944,624, plus strand): 5'-TGGCTTTTGCTTTTGGAAGTAATGTAAATTTTAAAAATGCACTTTGGAGACTAGACACGT[G>C]CTAGGTTTATTTTAAAGGAAAAGCTAAGAAGATTTGCTGGTAAATTTGGATGTGGGGGAT-3'

ClinVar aggregate classification (germline): Benign. Review status: criteria provided, multiple submitters, no conflicts (2 of 4 stars). 2 submissions from 2 submitters: Benign (2). Last evaluated 2018-06-14.

Allele frequency attached by ClinVar (database versions not stated): gnomAD 0.45835 and 0.47125; TOPMed 0.46759; gnomAD exomes 0.52780; 1000 Genomes Project 30x 0.55184; 1000 Genomes Project 0.56270.
gnomAD v4.1: 233,422 of 459,230 alleles (51%); highest among the groups gnomAD compares: East Asian, 84%; 62,719 homozygotes.

Submissions (2):

GeneDx
Classification: Benign. Last evaluated: 2018-06-14. Review status: criteria provided, single submitter. Criteria: GeneDx Variant Classification (06012015). Collection method: clinical testing. Allele origin: germline. Affected: yes.
Comment: This variant is considered likely benign or benign based on one or more of the following criteria: it is a conservative change, it occurs at a poorly conserved position in the protein, it is predicted to be benign by multiple in silico algorithms, and/or has population frequency not consistent with disease.

Breakthrough Genomics
Classification: Benign. Review status: criteria provided, single submitter. Criteria: ACMG Guidelines, 2015. Collection method: not provided. Allele origin: germline. Inheritance: Autosomal dominant inheritance. Affected: yes.